The following is an entry in ClinVar:

NM_182925.5(FLT4):c.226G>A (p.Glu76Lys)

Gene: FLT4 (fms related receptor tyrosine kinase 4; minus strand). Cytogenetic location: 5q35.3.
Variant type: single nucleotide variant.
Coding change: c.226G>A on transcript NM_182925.5 (MANE Select); coding-DNA position 226, G replaced by A.
Protein change: p.Glu76Lys; replaces glutamic acid 76 with lysine.
Molecular consequence: missense variant.
Genome position (GRCh38, 1-based): chr5:180,630,729, C>T on the plus strand (G>A on the coding strand, the complement: FLT4 is on the minus strand). VCF-style: chr5-180630729-C-T. GRCh37 (hg19) VCF-style: chr5-180057729-C-T.
Other names: c.226G>A, p.Glu76Lys (NM_001354989.2, NM_002020.5); short protein forms E76K.
Identifiers: ClinVar variation 3045299 (VCV003045299.2), dbSNP rs202015753, ClinGen allele CA3607179.

ClinVar aggregate classification (germline): Likely benign (0 of 4 stars; one submission).

Conditions:
FLT4-related disorder. Also called: FLT4-related condition.

Allele frequency attached by ClinVar (database versions not stated): TOPMed 0.00011; gnomAD 0.00056; gnomAD exomes 0.00090; ExAC 0.00194; 1000 Genomes Project 0.00200; 1000 Genomes Project 30x 0.00234.

Submission:

PreventionGenetics, part of Exact Sciences
Classification: Likely benign for FLT4-related condition. Last evaluated: 2020-03-25. Review status: no assertion criteria provided. Collection method: clinical testing. Allele origin: germline.
Comment: This variant is classified as likely benign based on ACMG/AMP sequence variant interpretation guidelines (Richards et al. 2015 PMID: 25741868, with internal and published modifications).